The following is an entry in ClinVar:

NM_004655.4(AXIN2):c.2446G>A (p.Ala816Thr)

Gene: AXIN2 (axin 2; minus strand). Cytogenetic location: 17q24.1.
Variant type: single nucleotide variant.
Coding change: c.2446G>A on transcript NM_004655.4 (MANE Select); coding-DNA position 2446, G replaced by A.
Protein change: p.Ala816Thr; replaces alanine 816 with threonine.
Molecular consequence: missense variant.
Genome position (GRCh38, 1-based): chr17:65,530,062, C>T on the plus strand (G>A on the coding strand, the complement: AXIN2 is on the minus strand). VCF-style: chr17-65530062-C-T. GRCh37 (hg19) VCF-style: chr17-63526180-C-T.
Other names: c.2251G>A, p.Ala751Thr (NM_001363813.1); c.2446G>A (NM_004655.3); short protein forms A751T, A816T.
Identifiers: ClinVar variation 1483677 (VCV001483677.9), dbSNP rs2144391582, ClinGen allele CA400674896.

ClinVar aggregate classification (germline): Uncertain significance. Review status: criteria provided, multiple submitters, no conflicts (2 of 4 stars). 2 submissions from 2 submitters: Uncertain significance (2). Last evaluated 2023-11-28.

Conditions:
Hereditary cancer-predisposing syndrome. Also called: Hereditary neoplastic syndrome; Neoplastic Syndromes, Hereditary; Hereditary Cancer Syndrome; Tumor predisposition. Identifiers: Orphanet 140162, MedGen C0027672, MeSH D009386, MONDO:0015356.
Oligodontia-cancer predisposition syndrome. Also called: TOOTH AGENESIS-COLORECTAL CANCER SYNDROME. Identifiers: Orphanet 300576, MedGen C1837750, MONDO:0012075, OMIM 608615. Disease mechanism: loss of function.

Submissions (2):

Labcorp Genetics (formerly Invitae), Labcorp
Classification: Uncertain significance for Oligodontia-cancer predisposition syndrome. Last evaluated: 2023-11-28. Review status: criteria provided, single submitter. Criteria: Invitae Variant Classification Sherloc (09022015). Collection method: clinical testing. Allele origin: germline.
Comment: This sequence change replaces alanine, which is neutral and non-polar, with threonine, which is neutral and polar, at codon 816 of the AXIN2 protein (p.Ala816Thr). This variant is not present in population databases (gnomAD no frequency). This variant has not been reported in the literature in individuals affected with AXIN2-related conditions. ClinVar contains an entry for this variant (Variation ID: 1483677). Advanced modeling of protein sequence and biophysical properties (such as structural, functional, and spatial information, amino acid conservation, physicochemical variation, residue mobility, and thermodynamic stability) performed at Invitae indicates that this missense variant is expected to disrupt AXIN2 protein function with a positive predictive value of 80%. In summary, the available evidence is currently insufficient to determine the role of this variant in disease. Therefore, it has been classified as a Variant of Uncertain Significance.

Ambry Genetics
Classification: Uncertain significance for Hereditary cancer-predisposing syndrome. Last evaluated: 2023-11-03. Review status: criteria provided, single submitter. Criteria: Ambry Variant Classification Scheme 2023. Collection method: clinical testing. Allele origin: germline.
Comment: The p.A816T variant (also known as c.2446G>A), located in coding exon 10 of the AXIN2 gene, results from a G to A substitution at nucleotide position 2446. The alanine at codon 816 is replaced by threonine, an amino acid with similar properties. This amino acid position is conserved. In addition, the in silico prediction for this alteration is inconclusive. Since supporting evidence is limited at this time, the clinical significance of this alteration remains unclear.